The following is an entry in ClinVar:

ClinVar aggregate classification (germline): Uncertain significance (1 of 4 stars; one submission).

Allele frequency attached by ClinVar (database versions not stated): gnomAD exomes below 0.00001 and 0.00001; TOPMed below 0.00001; ExAC 0.00005.
gnomAD v4.1: 2 of 1,573,794 alleles (0.00013%); highest among the groups gnomAD compares: South Asian, 0.0012%; no homozygotes.

Submission:

Labcorp Genetics (formerly Invitae), Labcorp
Classification: Uncertain significance. Last evaluated: 2021-09-26. Review status: criteria provided, single submitter. Criteria: Invitae Variant Classification Sherloc (09022015). Collection method: clinical testing. Allele origin: germline.
Comment: This sequence change replaces asparagine with serine at codon 245 of the LEMD2 protein (p.Asn245Ser). The asparagine residue is moderately conserved and there is a small physicochemical difference between asparagine and serine. This variant is present in population databases (rs753784235, ExAC 0.01%). This variant has not been reported in the literature in individuals affected with LEMD2-related conditions. Algorithms developed to predict the effect of missense changes on protein structure and function (SIFT, PolyPhen-2, Align-GVGD) all suggest that this variant is likely to be tolerated. In summary, the available evidence is currently insufficient to determine the role of this variant in disease. Therefore, it has been classified as a Variant of Uncertain Significance.

NM_181336.4(LEMD2):c.734A>G (p.Asn245Ser)

Gene: LEMD2 (LEM domain nuclear envelope protein 2; minus strand). Cytogenetic location: 6p21.31.
Variant type: single nucleotide variant.
Coding change: c.734A>G on transcript NM_181336.4 (MANE Select); coding-DNA position 734, A replaced by G.
Protein change: p.Asn245Ser; replaces asparagine 245 with serine.
Molecular consequence: missense variant. On other transcripts: intron variant (2).
Genome position (GRCh38, 1-based): chr6:33,788,383, T>C on the plus strand (A>G on the coding strand, the complement: LEMD2 is on the minus strand). VCF-style: chr6-33788383-T-C. GRCh37 (hg19) VCF-style: chr6-33756160-T-C.
Other names: c.342+392A>G (NM_001348710.2); c.-171+392A>G (NM_001348709.2); short protein forms N245S.
Identifiers: ClinVar variation 1472516 (VCV001472516.6), dbSNP rs753784235, ClinGen allele CA3763290.